The following is an entry in ClinVar:

ClinVar aggregate classification (germline): Uncertain significance. Review status: criteria provided, multiple submitters, no conflicts (2 of 4 stars). 2 submissions from 2 submitters: Uncertain significance (2). Last evaluated 2021-10-03.

Conditions:
Neuronal ceroid lipofuscinosis 2. Also called: TPP1-Related Neuronal Ceroid-Lipofuscinosis; JANSKY-BIELSCHOWSKY DISEASE NEURONAL CEROID LIPOFUSCINOSIS, LATE INFANTILE. Identifiers: Orphanet 168491, Orphanet 228349, Orphanet 79264, MedGen C1876161, MONDO:0008769, OMIM 204500.

Allele frequency attached by ClinVar (database versions not stated): gnomAD exomes below 0.00001.

Submissions (2):

Labcorp Genetics (formerly Invitae), Labcorp
Classification: Uncertain significance. Last evaluated: 2021-10-03. Review status: criteria provided, single submitter. Criteria: Invitae Variant Classification Sherloc (09022015). Collection method: clinical testing. Allele origin: germline.
Comment: In summary, the available evidence is currently insufficient to determine the role of this variant in disease. Therefore, it has been classified as a Variant of Uncertain Significance. Advanced modeling of protein sequence and biophysical properties (such as structural, functional, and spatial information, amino acid conservation, physicochemical variation, residue mobility, and thermodynamic stability) performed at Invitae indicates that this missense variant is not expected to disrupt TPP1 protein function. ClinVar contains an entry for this variant (Variation ID: 996968). This variant has not been reported in the literature in individuals affected with TPP1-related conditions. This variant is not present in population databases (ExAC no frequency). This sequence change replaces phenylalanine with leucine at codon 251 of the TPP1 protein (p.Phe251Leu). The phenylalanine residue is highly conserved and there is a small physicochemical difference between phenylalanine and leucine.

New York Genome Center
Classification: Uncertain significance for Neuronal ceroid lipofuscinosis 2. Last evaluated: 2020-05-01. Review status: criteria provided, single submitter. Criteria: NYGC Assertion Criteria 2020. Collection method: clinical testing. Allele origin: germline. Inheritance: Autosomal recessive inheritance. Observed: 1 heterozygote. Study: CSER-NYCKidSeq.

NM_000391.4(TPP1):c.751T>C (p.Phe251Leu)

Gene: TPP1 (tripeptidyl peptidase 1; minus strand). Cytogenetic location: 11p15.4.
Variant type: single nucleotide variant.
Coding change: c.751T>C on transcript NM_000391.4 (MANE Select); coding-DNA position 751, T replaced by C.
Protein change: p.Phe251Leu; replaces phenylalanine 251 with leucine.
Molecular consequence: missense variant.
Genome position (GRCh38, 1-based): chr11:6,616,796, A>G on the plus strand (T>C on the coding strand, the complement: TPP1 is on the minus strand). VCF-style: chr11-6616796-A-G. GRCh37 (hg19) VCF-style: chr11-6638027-A-G.
Other names: short protein forms F251L.
Identifiers: ClinVar variation 996968 (VCV000996968.7), dbSNP rs1855592796, ClinGen allele CA379475141.